The following is an entry in ClinVar:

NM_006393.3(NEBL):c.322A>G (p.Thr108Ala)

Gene: NEBL (nebulette; minus strand). Cytogenetic location: 10p12.31.
Variant type: single nucleotide variant.
Coding change: c.322A>G on transcript NM_006393.3 (MANE Select); coding-DNA position 322, A replaced by G.
Protein change: p.Thr108Ala; replaces threonine 108 with alanine.
Molecular consequence: missense variant. On other transcripts: intron variant (9).
Genome position (GRCh38, 1-based): chr10:20,888,144, T>C on the plus strand (A>G on the coding strand, the complement: NEBL is on the minus strand). VCF-style: chr10-20888144-T-C. GRCh37 (hg19) VCF-style: chr10-21177073-T-C.
Other names: c.249+73528A>G (NM_001377326.1, NM_001377327.1, NM_001377328.1); c.357+73528A>G (NM_213569.2, NM_001173484.2, NM_001377322.1); c.300+73528A>G (NM_001377324.1); c.291+73528A>G (NM_001377325.1); c.309+73528A>G (NM_001377323.1); short protein forms T108A.
Identifiers: ClinVar variation 4750701 (VCV004750701.1).
Genomic context (GRCh38, chr10:20,888,144, plus strand): 5'-AGAAAAACCCTACCTCACTCTGGAGCTGTGTAACTTCTCCTGCAAAAACACTGTCAATTG[T>C]GGCTGGCATCCGCTTATAAAGAGAATTAGAAAGGTCAGCTTTAATGGTGCCTTTGTATTT-3'
Protein context (NP_006384.1, residues 98-118): SNSLYKRMPA[Thr108Ala]IDSVFAGEVT

ClinVar aggregate classification (germline): Uncertain significance (1 of 4 stars; one submission).

Conditions:
Primary dilated cardiomyopathy (DCM). Also called: Dilated Cardiomyopathy. Identifiers: Orphanet 217604, MedGen C0007193, MeSH D002311, MONDO:0005021, HP:0001644. Inheritance: Various modes of inheritance.

gnomAD v4.1: 1 of 1,613,958 alleles (0.000062%); highest among the groups gnomAD compares: Non-Finnish European, 0.000085%; no homozygotes.

Submission:

Labcorp Genetics (formerly Invitae), Labcorp
Classification: Uncertain significance for Primary dilated cardiomyopathy. Last evaluated: 2025-11-27. Review status: criteria provided, single submitter. Criteria: Invitae Variant Classification Sherloc (09022015). Collection method: clinical testing. Allele origin: germline.
Comment: This sequence change replaces threonine, which is neutral and polar, with alanine, which is neutral and non-polar, at codon 108 of the NEBL protein (p.Thr108Ala). This variant is not present in population databases (gnomAD no frequency). This variant has not been reported in the literature in individuals affected with NEBL-related conditions. An algorithm developed to predict the effect of missense changes on protein structure and function (PolyPhen-2) suggests that this variant is likely to be disruptive. In summary, the available evidence is currently insufficient to determine the role of this variant in disease. Therefore, it has been classified as a Variant of Uncertain Significance.